The following is an entry in ClinVar:

ClinVar aggregate classification (germline): Benign. Review status: criteria provided, multiple submitters, no conflicts (2 of 4 stars). 2 submissions from 2 submitters: Benign (2). Last evaluated 2018-01-13.

Conditions:
Xeroderma pigmentosum, group F (XPF). Also called: XERODERMA PIGMENTOSUM, COMPLEMENTATION GROUP F; XERODERMA PIGMENTOSUM VI; XP, GROUP F; ERCC4-Related Xeroderma Pigmentosum; XERODERMA PIGMENTOSUM, TYPE F; Xeroderma pigmentosum, type 6. Identifiers: MedGen C0268140, MONDO:0010215, OMIM 278760.

Allele frequency attached by ClinVar (database versions not stated): 1000 Genomes Project 30x 0.22767; 1000 Genomes Project 0.23722; gnomAD 0.24309 and 0.24575; TOPMed 0.24389; gnomAD exomes 0.27674.
gnomAD v4.1: 60,153 of 233,622 alleles (26%); highest among the groups gnomAD compares: Middle Eastern, 35%; 8,117 homozygotes.

Submissions (2):

Illumina Laboratory Services, Illumina
Classification: Benign for Xeroderma pigmentosum, group F. Last evaluated: 2018-01-13. Review status: criteria provided, single submitter. Criteria: ICSL Variant Classification Criteria 13 December 2019. Collection method: clinical testing. Allele origin: germline.
Comment: This variant was observed in the ICSL laboratory as part of a predisposition screen in an ostensibly healthy population. It had not been previously curated by ICSL or reported in the Human Gene Mutation Database (HGMD: prior to June 1st, 2018), and was therefore a candidate for classification through an automated scoring system. Utilizing variant allele frequency, disease prevalence and penetrance estimates, and inheritance mode, an automated score was calculated to assess if this variant is too frequent to cause the disease. Based on the score and internal cut-off values, a variant classified as benign is not then subjected to further curation. The score for this variant resulted in a classification of benign for this disease.

Breakthrough Genomics
Classification: Benign. Review status: criteria provided, single submitter. Criteria: ACMG Guidelines, 2015. Collection method: not provided. Allele origin: germline. Inheritance: Autosomal recessive inheritance. Affected: yes.

NM_005236.3(ERCC4):c.*971C>G

Gene: ERCC4 (ERCC excision repair 4, endonuclease catalytic subunit; plus strand). Cytogenetic location: 16p13.12.
Variant type: single nucleotide variant.
Coding change: c.*971C>G on transcript NM_005236.3 (MANE Select); 971 bases downstream of the stop codon, C replaced by G.
Molecular consequence: 3 prime UTR variant.
Genome position (GRCh38, 1-based): chr16:13,949,318, C>G. VCF-style: chr16-13949318-C-G. GRCh37 (hg19) VCF-style: chr16-14043175-C-G.
Identifiers: ClinVar variation 317841 (VCV000317841.6), dbSNP rs2276466, ClinGen allele CA10637068.